The following is an entry in ClinVar:

ClinVar aggregate classification (germline): Uncertain significance. Review status: criteria provided, multiple submitters, no conflicts (2 of 4 stars). 2 submissions from 2 submitters: Uncertain significance (2). Last evaluated 2025-05-19.

Conditions:
Autosomal dominant childhood-onset proximal spinal muscular atrophy with contractures (SMALED2A). Also called: Spinal muscular atrophy, lower extremity-predominant, 2A, autosomal dominant; SPINAL MUSCULAR ATROPHY, LOWER EXTREMITY-PREDOMINANT, 2A, CHILDHOOD ONSET, AUTOSOMAL DOMINANT. Identifiers: Orphanet 363447, Orphanet 363454, MedGen C4747715, MONDO:0014121, OMIM 615290.

Submissions (2):

GeneDx
Classification: Uncertain significance. Last evaluated: 2025-05-19. Review status: criteria provided, single submitter. Criteria: GeneDx Variant Classification Process June 2021. Collection method: clinical testing. Allele origin: germline. Affected: yes.
Comment: Reported in patients with lower extremity-predominant spinal muscular atrophy who also harbor an additional missense variant in the BICD2 gene (Penttila et al., 2016); In silico analysis supports that this missense variant has a deleterious effect on protein structure/function; Not observed at significant frequency in large population cohorts (gnomAD); This variant is associated with the following publications: (PMID: Penttila2016[Abstract], 37337091)

Labcorp Genetics (formerly Invitae), Labcorp
Classification: Uncertain significance for Autosomal dominant childhood-onset proximal spinal muscular atrophy with contractures. Last evaluated: 2023-11-01. Review status: criteria provided, single submitter. Criteria: Invitae Variant Classification Sherloc (09022015). Collection method: clinical testing. Allele origin: germline.
Comment: This sequence change replaces leucine, which is neutral and non-polar, with proline, which is neutral and non-polar, at codon 641 of the BICD2 protein (p.Leu641Pro). This variant is not present in population databases (gnomAD no frequency). This variant has not been reported in the literature in individuals affected with BICD2-related conditions. ClinVar contains an entry for this variant (Variation ID: 541282). Advanced modeling of protein sequence and biophysical properties (such as structural, functional, and spatial information, amino acid conservation, physicochemical variation, residue mobility, and thermodynamic stability) performed at Invitae indicates that this missense variant is expected to disrupt BICD2 protein function with a positive predictive value of 80%. In summary, the available evidence is currently insufficient to determine the role of this variant in disease. Therefore, it has been classified as a Variant of Uncertain Significance.

NM_001003800.2(BICD2):c.1922T>C (p.Leu641Pro)

Gene: BICD2 (BICD cargo adaptor 2; minus strand). Cytogenetic location: 9q22.31.
Variant type: single nucleotide variant.
Coding change: c.1922T>C on transcript NM_001003800.2 (MANE Select); coding-DNA position 1922, T replaced by C.
Protein change: p.Leu641Pro; replaces leucine 641 with proline.
Molecular consequence: missense variant.
Genome position (GRCh38, 1-based): chr9:92,718,723, A>G on the plus strand (T>C on the coding strand, the complement: BICD2 is on the minus strand). VCF-style: chr9-92718723-A-G. GRCh37 (hg19) VCF-style: chr9-95481005-A-G.
Other names: c.1922T>C, p.Leu641Pro (NM_015250.4); short protein forms L641P.
Identifiers: ClinVar variation 541282 (VCV000541282.12), dbSNP rs1554705383, ClinGen allele CA374034892.